The following is an entry in ClinVar:

NM_001377.3(DYNC2H1):c.12068G>A (p.Arg4023Lys)

Gene: DYNC2H1 (dynein cytoplasmic 2 heavy chain 1; plus strand). Cytogenetic location: 11q22.3.
Variant type: single nucleotide variant.
Coding change: c.12068G>A on transcript NM_001377.3 (MANE Select); coding-DNA position 12068, G replaced by A.
Protein change: p.Arg4023Lys; replaces arginine 4023 with lysine.
Molecular consequence: missense variant.
Genome position (GRCh38, 1-based): chr11:103,358,271, G>A. VCF-style: chr11-103358271-G-A. GRCh37 (hg19) VCF-style: chr11-103228999-G-A.
Other names: c.12089G>A (NM_001080463.1); c.12089G>A, p.Arg4030Lys (NM_001080463.2); short protein forms R4023K, R4030K.
Identifiers: ClinVar variation 811824 (VCV000811824.19), dbSNP rs771264933, ClinGen allele CA6255455.
Genomic context (GRCh38, chr11:103,358,271, plus strand): 5'-TATTTGTTGATACTTATTATTTTTTTATTCAGGTTATTTCACAGTTGAGGATTTTGGGCA[G>A]ATCCATAACAGCTGGTTCCAAATTTGATAGAGAAATCTGGTCTAATGAACTTTCTCCTGT-3'
Protein context (NP_001368.2, residues 4013-4033): QVISQLRILG[Arg4023Lys]SITAGSKFDR

ClinVar aggregate classification (germline): Conflicting classifications of pathogenicity. Review status: criteria provided, conflicting classifications (1 of 4 stars). 5 submissions from 5 submitters: Uncertain significance (3); Likely benign (2). Last evaluated 2025-12-22.

Conditions:
Jeune thoracic dystrophy. Also called: Jeune syndrome; Infantile thoracic dystrophy; Thoracic pelvic phalangeal dystrophy; Jeune's syndrome; Chondroectodermal dysplasia-like syndrome; Short-rib thoracic dysplasia. Identifiers: Orphanet 474, MedGen C0265275, MONDO:0018770.
Inborn genetic diseases. Identifiers: MedGen C0950123, MeSH D030342.

Allele frequency attached by ClinVar (database versions not stated): gnomAD exomes 0.00005 and 0.00013; ExAC 0.00018; gnomAD 0.00021 and 0.00022; TOPMed 0.00023.
gnomAD v4.1: 100 of 1,587,568 alleles (0.0063%); highest among the groups gnomAD compares: African/African-American, 0.05%; no homozygotes.

Submissions (5):

Labcorp Genetics (formerly Invitae), Labcorp
Classification: Likely benign for Jeune thoracic dystrophy. Last evaluated: 2025-12-22. Review status: criteria provided, single submitter. Criteria: Invitae Variant Classification Sherloc (09022015). Collection method: clinical testing. Allele origin: germline.

Ambry Genetics
Classification: Uncertain significance for Inborn genetic diseases. Last evaluated: 2025-03-15. Review status: criteria provided, single submitter. Criteria: Ambry Variant Classification Scheme 2023. Collection method: clinical testing. Allele origin: germline.

Blueprint Genetics
Classification: Likely benign. Last evaluated: 2024-08-22. Review status: criteria provided, single submitter. Criteria: ACMG Guidelines, 2015. Collection method: clinical testing. Allele origin: germline.

Women's Health and Genetics/Laboratory Corporation of America, LabCorp
Classification: Uncertain significance. Last evaluated: 2024-02-20. Review status: criteria provided, single submitter. Criteria: LabCorp Variant Classification Summary - May 2015. Collection method: clinical testing. Allele origin: germline.
Comment: Variant summary: DYNC2H1 c.12089G>A (p.Arg4030Lys) results in a conservative amino acid change located in the Dynein heavy chain, C-terminal domain (IPR041228) of the encoded protein sequence. Four of five in-silico tools predict a benign effect of the variant on protein function. The variant allele was found at a frequency of 0.00013 in 212916 control chromosomes. This frequency is not significantly higher than estimated for a pathogenic variant in DYNC2H1 causing Short-rib thoracic dysplasia (0.00013 vs 0.0025), allowing no conclusion about variant significance. To our knowledge, no occurrence of c.12089G>A in individuals affected with Short-rib thoracic dysplasia and no experimental evidence demonstrating its impact on protein function have been reported. ClinVar contains an entry for this variant (Variation ID: 811824). Based on the evidence outlined above, the variant was classified as uncertain significance.

ARUP Laboratories, Molecular Genetics and Genomics, ARUP Laboratories
Classification: Uncertain significance. Last evaluated: 2018-12-10. Review status: criteria provided, single submitter. Criteria: ARUP Molecular Germline Variant Investigation Process. Collection method: clinical testing. Allele origin: germline.
Comment: The DYNC2H1 c.12089G>A; p.Arg4030Lys variant (rs771264933), to our knowledge, is not reported in the medical literature or gene specific databases. This variant is found in the general population with an overall allele frequency of 0.014% (35/244,318 alleles) in the Genome Aggregation Database. The arginine at codon 4030 is highly conserved, but computational analyses (SIFT, PolyPhen-2) predict that this variant is tolerated. Due to limited information, the clinical significance of the p.Arg4030Lys variant is uncertain at this time.